The following is an entry in ClinVar:

NM_000271.5(NPC1):c.2974G>C (p.Gly992Arg)

Gene: NPC1 (NPC intracellular cholesterol transporter 1; minus strand). Cytogenetic location: 18q11.2.
Variant type: single nucleotide variant.
Coding change: c.2974G>C on transcript NM_000271.5 (MANE Select); coding-DNA position 2974, G replaced by C.
Protein change: p.Gly992Arg; replaces glycine 992 with arginine.
Molecular consequence: missense variant.
Genome position (GRCh38, 1-based): chr18:23,538,609, C>G on the plus strand (G>C on the coding strand, the complement: NPC1 is on the minus strand). VCF-style: chr18-23538609-C-G. GRCh37 (hg19) VCF-style: chr18-21118573-C-G.
Other names: short protein forms G992R.
Identifiers: ClinVar variation 2969 (VCV000002969.71), dbSNP rs80358254, ClinGen allele CA340034.

ClinVar aggregate classification (germline): Pathogenic/Likely pathogenic. Review status: criteria provided, multiple submitters, no conflicts (2 of 4 stars). 15 submissions from 15 submitters: Pathogenic (10); Likely pathogenic (2). 3 of the submissions do not count toward it. Last evaluated 2025-09-15.

Conditions:
NPC1-related disorder. Also called: NPC1-related condition.
Niemann-Pick disease, type C (NPC). Identifiers: Orphanet 646, MedGen C0220756, MONDO:0018982.
Niemann-Pick disease, type C1. Also called: NEUROVISCERAL STORAGE DISEASE WITH VERTICAL SUPRANUCLEAR OPHTHALMOPLEGIA; NIEMANN-PICK DISEASE WITH CHOLESTEROL ESTERIFICATION BLOCK; NIEMANN-PICK DISEASE WITHOUT SPHINGOMYELINASE DEFICIENCY; NIEMANN-PICK DISEASE, CHRONIC NEURONOPATHIC FORM; NIEMANN-PICK DISEASE, VARIANT TYPE C1. Identifiers: Orphanet 646, MedGen C3179455, MONDO:0009757, OMIM 257220.

Allele frequency attached by ClinVar (database versions not stated): TOPMed 0.00002; gnomAD 0.00006; 1000 Genomes Project 30x 0.00016; 1000 Genomes Project 0.00020.
gnomAD v4.1: 60 of 1,614,186 alleles (0.0037%); highest among the groups gnomAD compares: South Asian, 0.021%; no homozygotes.

Submissions 1 to 11 of 15:

Natera, Inc.
Classification: Pathogenic for Niemann-Pick disease type C1. Last evaluated: 2025-09-15. Review status: criteria provided, single submitter. Criteria: Natera Variant Classification Schema (03/2026). Collection method: clinical testing. Allele origin: germline.
Comment: The c.2974G>C variant in NPC1 is a missense variant predicted to cause substitution of glycine to arginine at amino acid 992. This variant is rare in the general population with a frequency below the threshold expected for the associated phenotype(s). This variant has been observed in one or more individuals affected with the associated recessive disease, as either homozygous or compound heterozygous with a second variant (PMID: 33360098, 25236789). Given the available evidence, this variant is classified as Pathogenic.

Labcorp Genetics (formerly Invitae), Labcorp
Classification: Pathogenic for Niemann-Pick disease, type C1. Last evaluated: 2025-09-05. Review status: criteria provided, single submitter. Criteria: Invitae Variant Classification Sherloc (09022015). Collection method: clinical testing. Allele origin: germline.
Comment: This sequence change replaces glycine, which is neutral and non-polar, with arginine, which is basic and polar, at codon 992 of the NPC1 protein (p.Gly992Arg). This variant is present in population databases (rs80358254, gnomAD 0.02%). This missense change has been observed in individuals with Niemann-Pick disease type C (PMID: 11333381, 16126423, 26984608). ClinVar contains an entry for this variant (Variation ID: 2969). Invitae Evidence Modeling of protein sequence and biophysical properties (such as structural, functional, and spatial information, amino acid conservation, physicochemical variation, residue mobility, and thermodynamic stability) indicates that this missense variant is expected to disrupt NPC1 protein function with a positive predictive value of 95%. This variant disrupts the p.Gly992 amino acid residue in NPC1. Other variant(s) that disrupt this residue have been determined to be pathogenic (PMID: 9634529, 12955717, 16126423, 20718790). This suggests that this residue is clinically significant, and that variants that disrupt this residue are likely to be disease-causing. For these reasons, this variant has been classified as Pathogenic.

Dasa
Classification: Pathogenic. Last evaluated: 2025-04-08. Review status: criteria provided, single submitter. Criteria: DASA Assertion Criteria. Collection method: clinical testing. Allele origin: germline.
Comment: NM_000271.5(NPC1):c.2974G>C (p.Gly992Arg) is a missense variant that results in the substitution of glycine with arginine. This variant results in the same amino acid change as a previously established pathogenic variant. The affected residue or protein region has prior evidence supporting clinical relevance. This variant has been recurrently observed in affected individuals with related phenotype in a genotype context consistent with recessive disease (PMID: 11333381; PMID: 16126423; PMID: 26984608). Multiple computational predictions support a deleterious effect on the gene or gene product. The variant is present at low frequency in population datasets. Based on the available data, this variant is classified as pathogenic.

Revvity Omics, Revvity
Classification: Pathogenic for Niemann-Pick disease, type C1. Last evaluated: 2024-09-17. Review status: criteria provided, single submitter. Criteria: ACMG Guidelines, 2015. Collection method: clinical testing. Allele origin: germline.

Blueprint Genetics
Classification: Pathogenic for NPC1-related disorders. Last evaluated: 2024-02-07. Review status: criteria provided, single submitter. Criteria: ACMG Guidelines, 2015. Collection method: clinical testing. Allele origin: germline. Affected: yes. Observed: 5 variant alleles.

GeneDx
Classification: Pathogenic. Last evaluated: 2023-08-25. Review status: criteria provided, single submitter. Criteria: GeneDx Variant Classification Process June 2021. Collection method: clinical testing. Allele origin: germline. Affected: yes.
Comment: In silico analysis supports that this missense variant has a deleterious effect on protein structure/function; This variant is associated with the following publications: (PMID: 23821321, 23773996, 15596783, 16098014, 19307542, 28710748, 26984608, 25537619, 16126423, 24570279, 25349751, 20718790, 19609713, 19013089, 12205649, 11479732, 12955717, 26790753, 32138288, 34426522, 33360098, 31589614, 11333381, 34830064)

Neuberg Centre For Genomic Medicine, NCGM
Classification: Likely pathogenic for Niemann-Pick disease, type C1. Last evaluated: 2023-07-22. Review status: criteria provided, single submitter. Criteria: ACMG Guidelines, 2015. Collection method: clinical testing. Allele origin: germline. Inheritance: Autosomal recessive inheritance. Affected: yes.
Comment: The observed missense variant c.2974G>Cp.Gly992Arg in NPC1 gene has been reported previously in individuals with Niemann-Pick disease type C. This variant is present in a mutational hotspot. Different amino acid changes p.Gly992Ala; p.Gly992Trp affecting the same position have been reported as pathogenic Sedel F, et al., 2016; Dardis A, et al., 2020. This variant is reported with the allele frequency 0.001% in the gnomAD Exomes. This variant has been reported to the ClinVar database as Pathogenic/Likely Pathogenic. The amino acid Gly at position 992 is changed to a Arg changing protein sequence and it might alter its composition and physico-chemical properties. Multiple lines of computational evidence Polyphen - Possibly damaging, SIFT – Damaging and MutationTaster - Disease causing predict a damaging effect on protein structure and function for this variant. The residue is conserved by GERP++ and PhyloP across 100 vertebrates. For these reasons, this variant has been classified as Likely Pathogenic. In the absence of another reportable variant, the molecular diagnosis is not confirmed.

Victorian Clinical Genetics Services, Murdoch Childrens Research Institute
Classification: Pathogenic for Niemann-Pick disease, type C1. Last evaluated: 2022-02-02. Review status: criteria provided, single submitter. Criteria: ACMG Guidelines, 2015. Collection method: clinical testing. Allele origin: germline. Inheritance: Autosomal recessive inheritance. Affected: yes.
Comment: Based on the classification scheme VCGS_Germline_v1.3.4, this variant is classified as Pathogenic. Following criteria are met: 0102 - Loss of function is a known mechanism of disease in this gene and is associated with Niemann-Pick disease type C1 (MIM# 257220). (I) 0106 - This gene is associated with autosomal recessive disease. (I) 0200 - Variant is predicted to result in a missense amino acid change from glycine to arginine. (I) 0251 - This variant is heterozygous. (I) 0304 - This variant is present in gnomAD (v2) <0.01 for a recessive condition (14 heterozygotes, 0 homozygotes). Additionally, an alternative nucleotide change (G>A) resulting in the same amino acid substitution is also present in gnomAD (v2) (4 heterozygotes, 0 homozygotes). (SP) 0309 - Alternative amino acid changes at the same position have been observed in gnomAD (v2) (5 heterozygotes, 0 homozygotes). (I) 0501 - Missense variant consistently predicted to be damaging by multiple in silico tools or highly conserved with a major amino acid change. (SP) 0602 - Variant is located in a hotspot region or cluster of pathogenic variants. This variant is located in a region within the cysteine-rich luminal loop where many missense variants have been reported (PMID: 16126423, PMID: 11333381). (SP) 0702 - Other missense variants comparable to the one identified in this case have strong previous evidence for pathogenicity. Two different variants in the same codon resulting in a changes to an alanine and a tryptophan have also been reported as pathogenic in patients with Niemann-Pick type C disease (ClinVar, PMID: 16126423, PMID: 32138288). (SP) 0801 - This variant has strong previous evidence of pathogenicity in unrelated individuals. This variant has been previously reported as pathogenic in patients with Niemann-Pick type C disease. Additionally, another variant involving an alternative nucleotide change (G>A) that causes the same amino acid change has also been reported as pathogenic in patients with Niemann-Pick type C disease (ClinVar, PMID: 11333381, PMID: 32138288). (SP) 1208 - Inheritance information for this variant is not currently available in this individual. (I) Legend: (SP) - Supporting pathogenic, (I) - Information, (SB) - Supporting benign

CeGaT Center for Human Genetics Tuebingen
Classification: Likely pathogenic. Last evaluated: 2020-04-01. Review status: criteria provided, single submitter. Criteria: CeGaT Center For Human Genetics Tuebingen Variant Classification Criteria Version 2. Collection method: clinical testing. Allele origin: germline. Affected: yes. Observed: 1 variant allele.

Mayo Clinic Laboratories, Mayo Clinic
Classification: Pathogenic. Last evaluated: 2019-05-21. Review status: criteria provided, single submitter. Criteria: ACMG Guidelines, 2015. Collection method: clinical testing. Allele origin: germline. Observed: 1 variant allele.
Comment: PS1, PS4, PM1, PM2, PM5

Eurofins Ntd Llc (ga)
Classification: Pathogenic. Last evaluated: 2017-05-25. Review status: criteria provided, single submitter. Criteria: EGL Classification Definitions 2015. Collection method: clinical testing. Allele origin: germline. Observed: 2 variant alleles, 2 heterozygotes.